The following is an entry in ClinVar:

ClinVar aggregate classification (germline): Likely benign. Review status: criteria provided, multiple submitters, no conflicts (2 of 4 stars). 3 submissions from 3 submitters: Likely benign (2). 1 of the submissions does not count toward it. Last evaluated 2026-01-12.

Conditions:
Familial cold autoinflammatory syndrome 3 (FCAS3). Also called: FAMILIAL ATYPICAL COLD URTICARIA; ANTIBODY DEFICIENCY AND IMMUNE DYSREGULATION, PLCG2-ASSOCIATED. Identifiers: Orphanet 300359, MedGen C3280914, MONDO:0013766, OMIM 614468.
Autoinflammation-PLCG2-associated antibody deficiency-immune dysregulation. Also called: Autoinflammation, antibody deficiency, and immune dysregulation, plcg2-associated; AUTOINFLAMMATION, ANTIBODY DEFICIENCY, AND IMMUNE DYSREGULATION; Autoinflammation, antibody deficiency, and immune dysregulation syndrome. Identifiers: Orphanet 324530, MedGen C3553961, MONDO:0013944, OMIM 614878.
PLCG2-related disorder. Also called: PLCG2-related condition.

Allele frequency attached by ClinVar (database versions not stated): gnomAD 0.00005 and 0.00006; TOPMed 0.00006; ESP Exome Variant Server 0.00008.
gnomAD v4.1: 51 of 1,610,666 alleles (0.0032%); highest among the groups gnomAD compares: Admixed American, 0.033%; no homozygotes.

Submissions (3):

Labcorp Genetics (formerly Invitae), Labcorp
Classification: Likely benign for Familial cold autoinflammatory syndrome 3. Last evaluated: 2026-01-12. Review status: criteria provided, single submitter. Criteria: Invitae Variant Classification Sherloc (09022015). Collection method: clinical testing. Allele origin: germline.

Fulgent Genetics
Classification: Likely benign for Familial cold autoinflammatory syndrome 3; Autoinflammation-PLCG2-associated antibody deficiency-immune dysregulation. Last evaluated: 2022-02-17. Review status: criteria provided, single submitter. Criteria: ACMG Guidelines, 2015. Collection method: clinical testing. Allele origin: unknown.

PreventionGenetics, part of Exact Sciences
Classification: Likely benign for PLCG2-related condition. Last evaluated: 2020-03-13. Review status: no assertion criteria provided. Collection method: clinical testing. Allele origin: germline. Not counted in ClinVar's aggregate classification.
Comment: This variant is classified as likely benign based on ACMG/AMP sequence variant interpretation guidelines (Richards et al. 2015 PMID: 25741868, with internal and published modifications).

NM_002661.5(PLCG2):c.1558-8C>T

Gene: PLCG2 (phospholipase C gamma 2; plus strand). Cytogenetic location: 16q23.3.
Variant type: single nucleotide variant.
Coding change: c.1558-8C>T on transcript NM_002661.5 (MANE Select); 8 bases into the intron before coding-DNA position 1558, C replaced by T.
Molecular consequence: intron variant.
Genome position (GRCh38, 1-based): chr16:81,908,408, C>T. VCF-style: chr16-81908408-C-T. GRCh37 (hg19) VCF-style: chr16-81942013-C-T.
Identifiers: ClinVar variation 540114 (VCV000540114.14), dbSNP rs371117206, ClinGen allele CA8193854.